The following is an entry in ClinVar:

NM_006947.4(SRP72):c.617G>T (p.Cys206Phe)

Gene: SRP72 (signal recognition particle 72; plus strand). Cytogenetic location: 4q12.
Variant type: single nucleotide variant.
Coding change: c.617G>T on transcript NM_006947.4 (MANE Select); coding-DNA position 617, G replaced by T.
Protein change: p.Cys206Phe; replaces cysteine 206 with phenylalanine.
Molecular consequence: missense variant. On other transcripts: non-coding transcript variant (1).
Genome position (GRCh38, 1-based): chr4:56,476,677, G>T. VCF-style: chr4-56476677-G-T. GRCh37 (hg19) VCF-style: chr4-57342843-G-T.
Other names: c.617G>T, p.Cys206Phe (NM_001267722.2); short protein forms C206F.
Identifiers: ClinVar variation 2892691 (VCV002892691.3), dbSNP rs751460920, ClinGen allele CA2931133.
Genomic context (GRCh38, chr4:56,476,677, plus strand): 5'-AAGAAATGGGATTTACCCAGCAATACTACTTTTAAAACAATTTTTCTCCTGTAGATCTTT[G>T]CCGCCGTTCATTATCAGAAGACACTGTAAGTATTCCATCATTGTTAAACCTAAATTTTAC-3'
Protein context (NP_008878.3, residues 196-216): MKILQKAEDL[Cys206Phe]RRSLSEDTDG

ClinVar aggregate classification (germline): Uncertain significance (1 of 4 stars; one submission).

Allele frequency attached by ClinVar (database versions not stated): gnomAD exomes 0.00001; ExAC 0.00002; TOPMed 0.00001.
gnomAD v4.1: 5 of 1,612,240 alleles (0.00031%); highest among the groups gnomAD compares: Admixed American, 0.0084%; no homozygotes.

Submission:

Labcorp Genetics (formerly Invitae), Labcorp
Classification: Uncertain significance. Last evaluated: 2025-12-01. Review status: criteria provided, single submitter. Criteria: Invitae Variant Classification Sherloc (09022015). Collection method: clinical testing. Allele origin: germline.
Comment: This sequence change replaces cysteine, which is neutral and slightly polar, with phenylalanine, which is neutral and non-polar, at codon 206 of the SRP72 protein (p.Cys206Phe). This variant is present in population databases (rs751460920, gnomAD 0.01%). This variant has not been reported in the literature in individuals affected with SRP72-related conditions. ClinVar contains an entry for this variant (Variation ID: 2892691). Invitae Evidence Modeling of protein sequence and biophysical properties (such as structural, functional, and spatial information, amino acid conservation, physicochemical variation, residue mobility, and thermodynamic stability) indicates that this missense variant is expected to disrupt SRP72 protein function with a positive predictive value of 80%. In summary, the available evidence is currently insufficient to determine the role of this variant in disease. Therefore, it has been classified as a Variant of Uncertain Significance.